The following is an entry in ClinVar:

ClinVar aggregate classification (germline): Likely benign (1 of 4 stars; one submission).

Conditions:
Cardiomyopathy (CMYO). Also called: Cardiomyopathies. Identifiers: Orphanet 167848, MedGen C0878544, MONDO:0004994, HP:0001638. Inheritance: Various modes of inheritance.

Submission:

Women's Health and Genetics/Laboratory Corporation of America, LabCorp
Classification: Likely benign for Cardiomyopathy. Last evaluated: 2011-08-18. Review status: criteria provided, single submitter. Criteria: LabCorp Variant Classification Summary - May 2015. Collection method: curation. Allele origin: germline. Inheritance: autosomal unknown. Affected: yes.
ClinVar note: Converted during submission from likely benign to Likely benign.

NM_004415.4(DSP):c.6153C>G (p.Ala2051=)

Gene: DSP (desmoplakin; plus strand). Cytogenetic location: 6p24.3.
Variant type: single nucleotide variant.
Coding change: c.6153C>G on transcript NM_004415.4 (MANE Select); coding-DNA position 6153, C replaced by G.
Protein change: p.Ala2051=; no amino-acid change (alanine 2051 retained).
Molecular consequence: synonymous variant.
Genome position (GRCh38, 1-based): chr6:7,583,415, C>G. VCF-style: chr6-7583415-C-G. GRCh37 (hg19) VCF-style: chr6-7583648-C-G.
Other names: c.6153C>G (LRG_423t1); c.4356C>G, p.Ala1452= (NM_001008844.3); c.4824C>G, p.Ala1608= (NM_001319034.2).
Identifiers: ClinVar variation 36023 (VCV000036023.4), dbSNP rs193922670, ClinGen allele CA006721.